The following is an entry in ClinVar:

ClinVar aggregate classification (germline): Uncertain significance. Review status: criteria provided, multiple submitters, no conflicts (2 of 4 stars). 2 submissions from 2 submitters: Uncertain significance (2). Last evaluated 2022-08-09.

Conditions:
Brachydactyly type D. Also called: STUB THUMB. Identifiers: MedGen C0220664, MONDO:0007222, OMIM 113200, HP:0005627.
Syndactyly type 5. Also called: Syndactyly with associated metacarpal and metatarsal fusion; Syndactyly, type V; SYNDACTYLY WITH METACARPAL AND METATARSAL FUSION. Identifiers: Orphanet 93406, MedGen C1861348, MONDO:0008516, OMIM 186300.
Brachydactyly type E1 (BDE1). Identifiers: Orphanet 93387, MedGen C1862102, MONDO:0007223, OMIM 113300.
Brachydactyly-syndactyly syndrome (BDSD). Identifiers: Orphanet 93409, MedGen C1853137, MONDO:0012544, OMIM 610713.
Synpolydactyly type 1. Identifiers: Orphanet 295195, MedGen C5574994, MONDO:0008513, OMIM 186000.

Allele frequency attached by ClinVar (database versions not stated): TOPMed below 0.00001.
gnomAD v4.1: 6 of 1,426,848 alleles (0.00042%); highest among the groups gnomAD compares: Admixed American, 0.0069%; no homozygotes.

Submissions (2):

Labcorp Genetics (formerly Invitae), Labcorp
Classification: Uncertain significance. Last evaluated: 2022-08-09. Review status: criteria provided, single submitter. Criteria: Invitae Variant Classification Sherloc (09022015). Collection method: clinical testing. Allele origin: germline.
Comment: Algorithms developed to predict the effect of missense changes on protein structure and function are either unavailable or do not agree on the potential impact of this missense change (SIFT: "Deleterious"; PolyPhen-2: "Benign"; Align-GVGD: "Class C0"). This sequence change replaces alanine, which is neutral and non-polar, with proline, which is neutral and non-polar, at codon 68 of the HOXD13 protein (p.Ala68Pro). The frequency data for this variant in the population databases is considered unreliable, as metrics indicate poor data quality at this position in the gnomAD database. This variant has not been reported in the literature in individuals affected with HOXD13-related conditions. ClinVar contains an entry for this variant (Variation ID: 1350734). In summary, the available evidence is currently insufficient to determine the role of this variant in disease. Therefore, it has been classified as a Variant of Uncertain Significance.

Fulgent Genetics
Classification: Uncertain significance for Brachydactyly type D; Brachydactyly type E1; Synpolydactyly type 1; Syndactyly type 5; Brachydactyly-syndactyly syndrome. Last evaluated: 2022-04-09. Review status: criteria provided, single submitter. Criteria: ACMG Guidelines, 2015. Collection method: clinical testing. Allele origin: unknown.

NM_000523.4(HOXD13):c.202G>C (p.Ala68Pro)

Gene: HOXD13 (homeobox D13; plus strand). Cytogenetic location: 2q31.1.
Variant type: single nucleotide variant.
Coding change: c.202G>C on transcript NM_000523.4 (MANE Select); coding-DNA position 202, G replaced by C.
Protein change: p.Ala68Pro; replaces alanine 68 with proline.
Molecular consequence: missense variant.
Genome position (GRCh38, 1-based): chr2:176,093,092, G>C. VCF-style: chr2-176093092-G-C. GRCh37 (hg19) VCF-style: chr2-176957820-G-C.
Other names: short protein forms A68P.
Identifiers: ClinVar variation 1350734 (VCV001350734.7), dbSNP rs760168666, ClinGen allele CA1976540.